The following is an entry in ClinVar:

ClinVar aggregate classification (germline): Benign (1 of 4 stars; one submission).

Conditions:
Retinoblastoma (RB1). Also called: RETINOBLASTOMA, SOMATIC. Identifiers: Orphanet 790, MedGen C0035335, MeSH D012175, MONDO:0008380, OMIM 180200, HP:0009919. Disease mechanism: loss of function. Inheritance: Both sporadic and heritable forms are tested..

Allele frequency attached by ClinVar (database versions not stated): gnomAD 0.01445 and 0.01550; 1000 Genomes Project 30x 0.01858; gnomAD exomes 0.00286; 1000 Genomes Project 0.01617; TOPMed 0.01622.
gnomAD v4.1: 2,400 of 229,502 alleles (1%); highest among the groups gnomAD compares: African/African-American, 4.9%; 62 homozygotes.

Submission:

Illumina Laboratory Services, Illumina
Classification: Benign for Retinoblastoma. Last evaluated: 2018-01-13. Review status: criteria provided, single submitter. Criteria: ICSL Variant Classification Criteria 13 December 2019. Collection method: clinical testing. Allele origin: germline.
Comment: This variant was observed in the ICSL laboratory as part of a predisposition screen in an ostensibly healthy population. It had not been previously curated by ICSL or reported in the Human Gene Mutation Database (HGMD: prior to June 1st, 2018), and was therefore a candidate for classification through an automated scoring system. Utilizing variant allele frequency, disease prevalence and penetrance estimates, and inheritance mode, an automated score was calculated to assess if this variant is too frequent to cause the disease. Based on the score and internal cut-off values, a variant classified as benign is not then subjected to further curation. The score for this variant resulted in a classification of benign for this disease.

NM_000321.3(RB1):c.*964C>G

Gene: RB1 (RB transcriptional corepressor 1; plus strand). Cytogenetic location: 13q14.2.
Variant type: single nucleotide variant.
Coding change: c.*964C>G on transcript NM_000321.3 (MANE Select); 964 bases downstream of the stop codon, C replaced by G.
Molecular consequence: 3 prime UTR variant.
Genome position (GRCh38, 1-based): chr13:48,481,035, C>G. VCF-style: chr13-48481035-C-G. GRCh37 (hg19) VCF-style: chr13-49055171-C-G.
Identifiers: ClinVar variation 312311 (VCV000312311.5), dbSNP rs4151633, ClinGen allele CA10639655.